The following is an entry in ClinVar:

ClinVar aggregate classification (germline): Uncertain significance. Review status: criteria provided, single submitter (1 of 4 stars). 2 submissions from 2 submitters: Uncertain significance (1). 1 of the submissions does not count toward it. Last evaluated 2024-10-21.

Conditions:
YRDC-related disorder. Also called: YRDC-related condition.

Allele frequency attached by ClinVar (database versions not stated): gnomAD 0.00006; TOPMed 0.00006.
gnomAD v4.1: 94 of 1,454,650 alleles (0.0065%); highest among the groups gnomAD compares: Non-Finnish European, 0.008%; no homozygotes.

Submissions (2):

Ambry Genetics
Classification: Uncertain significance. Last evaluated: 2024-10-21. Review status: criteria provided, single submitter. Criteria: Ambry Variant Classification Scheme 2023. Collection method: clinical testing. Allele origin: germline.

PreventionGenetics, part of Exact Sciences
Classification: Uncertain significance for YRDC-related condition. Last evaluated: 2024-02-14. Review status: no assertion criteria provided. Collection method: clinical testing. Allele origin: germline. Not counted in ClinVar's aggregate classification.
Comment: The YRDC c.7C>T variant is predicted to result in the amino acid substitution p.Pro3Ser. To our knowledge, this variant has not been reported in the literature. This variant is reported in 0.012% of alleles in individuals of European (Non-Finnish) descent in gnomAD. At this time, the clinical significance of this variant is uncertain due to the absence of conclusive functional and genetic evidence.

NM_024640.4(YRDC):c.7C>T (p.Pro3Ser)

Genes: C1orf122 (chromosome 1 open reading frame 122; plus strand), YRDC (yrdC N6-threonylcarbamoyltransferase domain containing; minus strand). Cytogenetic location: 1p34.3.
Variant type: single nucleotide variant.
Coding change: c.7C>T on transcript NM_024640.4 (MANE Select); coding-DNA position 7, C replaced by T.
Protein change: p.Pro3Ser; replaces proline 3 with serine.
Molecular consequence: missense variant. On other transcripts: 5 prime UTR variant (2).
Genome position (GRCh38, 1-based): chr1:37,808,174, G>A on the plus strand (C>T on the coding strand, the complement: YRDC is on the minus strand). VCF-style: chr1-37808174-G-A. GRCh37 (hg19) VCF-style: chr1-38273846-G-A.
Other names: c.-287G>A (NM_001142726.2); c.-231G>A (NM_198446.3); short protein forms P3S.
Identifiers: ClinVar variation 3047295 (VCV003047295.3), dbSNP rs1046404671, ClinGen allele CA20851888.